The following is an entry in ClinVar:

NM_002156.5(HSPD1):c.823G>A (p.Ala275Thr)

Gene: HSPD1 (heat shock protein family D (Hsp60) member 1; minus strand). Cytogenetic location: 2q33.1.
Variant type: single nucleotide variant.
Coding change: c.823G>A on transcript NM_002156.5 (MANE Select); coding-DNA position 823, G replaced by A.
Protein change: p.Ala275Thr; replaces alanine 275 with threonine.
Molecular consequence: missense variant.
Genome position (GRCh38, 1-based): chr2:197,493,370, C>T on the plus strand (G>A on the coding strand, the complement: HSPD1 is on the minus strand). VCF-style: chr2-197493370-C-T. GRCh37 (hg19) VCF-style: chr2-198358094-C-T.
Other names: c.823G>A, p.Ala275Thr (NM_199440.2); short protein forms A275T.
Identifiers: ClinVar variation 1345923 (VCV001345923.6), dbSNP rs953604247, ClinGen allele CA62856264.

ClinVar aggregate classification (germline): Uncertain significance (1 of 4 stars; one submission).

Conditions:
Spastic paraplegia. Identifiers: MedGen C0037772, HP:0001258.

Allele frequency attached by ClinVar (database versions not stated): gnomAD exomes below 0.00001 and 0.00001; gnomAD 0.00001; TOPMed 0.00005.
gnomAD v4.1: 14 of 1,613,524 alleles (0.00087%); highest among the groups gnomAD compares: Middle Eastern, 0.016%; no homozygotes.

Submission:

Labcorp Genetics (formerly Invitae), Labcorp
Classification: Uncertain significance for Spastic paraplegia. Last evaluated: 2024-06-12. Review status: criteria provided, single submitter. Criteria: Invitae Variant Classification Sherloc (09022015). Collection method: clinical testing. Allele origin: germline.
Comment: This sequence change replaces alanine, which is neutral and non-polar, with threonine, which is neutral and polar, at codon 275 of the HSPD1 protein (p.Ala275Thr). This variant is present in population databases (no rsID available, gnomAD 0.002%). This variant has not been reported in the literature in individuals affected with HSPD1-related conditions. ClinVar contains an entry for this variant (Variation ID: 1345923). Advanced modeling of protein sequence and biophysical properties (such as structural, functional, and spatial information, amino acid conservation, physicochemical variation, residue mobility, and thermodynamic stability) has been performed at Invitae for this missense variant, however the output from this modeling did not meet the statistical confidence thresholds required to predict the impact of this variant on HSPD1 protein function. In summary, the available evidence is currently insufficient to determine the role of this variant in disease. Therefore, it has been classified as a Variant of Uncertain Significance.